The following is an entry in ClinVar:

ClinVar aggregate classification (germline): Likely benign (0 of 4 stars; one submission).

Conditions:
PEX1-related disorder. Also called: PEX1-related condition.

Allele frequency attached by ClinVar (database versions not stated): gnomAD 0.00002; ExAC 0.00003.
gnomAD v4.1: 13 of 1,581,376 alleles (0.00082%); highest among the groups gnomAD compares: African/African-American, 0.0027%; no homozygotes.

Submission:

PreventionGenetics, part of Exact Sciences
Classification: Likely benign for PEX1-related condition. Last evaluated: 2024-04-21. Review status: no assertion criteria provided. Collection method: clinical testing. Allele origin: germline.
Comment: This variant is classified as likely benign based on ACMG/AMP sequence variant interpretation guidelines (Richards et al. 2015 PMID: 25741868, with internal and published modifications).

NM_000466.3(PEX1):c.-2C>T

Genes: PEX1 (peroxisomal biogenesis factor 1; minus strand), LOC129998796 (ATAC-STARR-seq lymphoblastoid silent region 18372; plus strand). Cytogenetic location: 7q21.2.
Variant type: single nucleotide variant.
Coding change: c.-2C>T on transcript NM_000466.3 (MANE Select); 2 bases upstream of the start codon, C replaced by T.
Molecular consequence: 5 prime UTR variant.
Genome position (GRCh38, 1-based): chr7:92,528,437, G>A on the plus strand (C>T on the coding strand, the complement: PEX1 is on the minus strand). VCF-style: chr7-92528437-G-A. GRCh37 (hg19) VCF-style: chr7-92157751-G-A.
Other names: c.-2C>T (NM_001282677.2); c.-661C>T (NM_001282678.2).
Identifiers: ClinVar variation 2629439 (VCV002629439.3), dbSNP rs751398254, ClinGen allele CA4341712.